The following is an entry in ClinVar:

ClinVar aggregate classification (germline): Pathogenic (1 of 4 stars; one submission).

Submission:

GeneDx
Classification: Pathogenic. Last evaluated: 2025-06-23. Review status: criteria provided, single submitter. Criteria: GeneDx Variant Classification Process June 2021. Collection method: clinical testing. Allele origin: germline. Affected: yes.
Comment: Identified in a patient with hypochondrogenesis in published literature (PMID: 10797431); Damages or destroys the splice donor site in intron 34, and is expected to cause abnormal gene splicing; if the splice outcome is exon skipping, the loss of the encoded residues in the triple helical region is expected to disrupt normal protein folding and function, and this is an established mechanism of disease (HGMD); Not observed at significant frequency in large population cohorts (gnomAD); This variant is associated with the following publications: (PMID: 25525159, 27234559, 10797431)

NM_001844.5(COL2A1):c.2301+1G>A

Gene: COL2A1 (collagen type II alpha 1 chain; minus strand). Cytogenetic location: 12q13.11.
Variant type: single nucleotide variant.
Coding change: c.2301+1G>A on transcript NM_001844.5 (MANE Select); the canonical splice donor site of the intron after coding-DNA position 2301, G replaced by A.
Molecular consequence: splice donor variant.
Genome position (GRCh38, 1-based): chr12:47,982,501, C>T on the plus strand (G>A on the coding strand, the complement: COL2A1 is on the minus strand). VCF-style: chr12-47982501-C-T. GRCh37 (hg19) VCF-style: chr12-48376284-C-T.
Other names: c.2094+1G>A (NM_033150.3).
Identifiers: ClinVar variation 4540285 (VCV004540285.1).